The following is an entry in ClinVar:

NM_006172.4(NPPA):c.289C>T (p.Leu97Phe)

Genes: NPPA (natriuretic peptide A; minus strand), NPPA-AS1 (NPPA antisense RNA 1; plus strand), LOC114827827 (VISTA enhancer hs2123; plus strand). Cytogenetic location: 1p36.22.
Variant type: single nucleotide variant.
Coding change: c.289C>T on transcript NM_006172.4 (MANE Select); coding-DNA position 289, C replaced by T.
Protein change: p.Leu97Phe; replaces leucine 97 with phenylalanine.
Molecular consequence: missense variant.
Genome position (GRCh38, 1-based): chr1:11,847,274, G>A on the plus strand (C>T on the coding strand, the complement: NPPA is on the minus strand). VCF-style: chr1-11847274-G-A. GRCh37 (hg19) VCF-style: chr1-11907331-G-A.
Other names: short protein forms L97F.
Identifiers: ClinVar variation 3618934 (VCV003618934.2).
Genomic context (GRCh38, chr1:11,847,274, plus strand): 5'-CCCTCAGCTTGCTTTTTAGGAGGGCAGATCGATCAGAGGAGTCCCAGGGGCCCCGCCCGA[G>A]GGCACCTCCATCTCTCTGGGCTGGGCTGACTTCCCCGGTCCAGGGAGGCACCTCAGGGAG-3'
Protein context (NP_006163.1, residues 87-107): VSPAQRDGGA[Leu97Phe]GRGPWDSSDR

ClinVar aggregate classification (germline): Uncertain significance (1 of 4 stars; one submission).

Conditions:
Atrial fibrillation, familial, 6 (ATFB6). Identifiers: MedGen C2677294, MONDO:0012816, OMIM 612201.

gnomAD v4.1: 5 of 1,613,548 alleles (0.00031%); highest among the groups gnomAD compares: African/African-American, 0.0067%; no homozygotes.

Submission:

Labcorp Genetics (formerly Invitae), Labcorp
Classification: Uncertain significance for Atrial fibrillation, familial, 6. Last evaluated: 2025-09-22. Review status: criteria provided, single submitter. Criteria: Invitae Variant Classification Sherloc (09022015). Collection method: clinical testing. Allele origin: germline.
Comment: This sequence change replaces leucine, which is neutral and non-polar, with phenylalanine, which is neutral and non-polar, at codon 97 of the NPPA protein (p.Leu97Phe). This variant is not present in population databases (gnomAD no frequency). This variant has not been reported in the literature in individuals affected with NPPA-related conditions. ClinVar contains an entry for this variant (Variation ID: 3618934). An algorithm developed to predict the effect of missense changes on protein structure and function outputs the following: PolyPhen-2: "Benign". The phenylalanine amino acid residue is found in multiple mammalian species, which suggests that this missense change does not adversely affect protein function. In summary, the available evidence is currently insufficient to determine the role of this variant in disease. Therefore, it has been classified as a Variant of Uncertain Significance.